The following is an entry in ClinVar:

ClinVar aggregate classification (germline): Uncertain significance (1 of 4 stars; one submission).

Allele frequency attached by ClinVar (database versions not stated): TOPMed below 0.00001; ExAC 0.00001; gnomAD exomes 0.00001.

Submission:

Labcorp Genetics (formerly Invitae), Labcorp
Classification: Uncertain significance. Last evaluated: 2023-11-27. Review status: criteria provided, single submitter. Criteria: Invitae Variant Classification Sherloc (09022015). Collection method: clinical testing. Allele origin: germline.
Comment: This sequence change replaces leucine, which is neutral and non-polar, with phenylalanine, which is neutral and non-polar, at codon 176 of the PROKR2 protein (p.Leu176Phe). This variant is present in population databases (rs748808249, gnomAD 0.003%). This missense change has been observed in individual(s) with congenital hypogonadotropic hypogonadism (PMID: 30733481). Advanced modeling of protein sequence and biophysical properties (such as structural, functional, and spatial information, amino acid conservation, physicochemical variation, residue mobility, and thermodynamic stability) performed at Invitae indicates that this missense variant is not expected to disrupt PROKR2 protein function with a negative predictive value of 80%. Experimental studies have shown that this missense change affects PROKR2 function (PMID: 36694982). In summary, the available evidence is currently insufficient to determine the role of this variant in disease. Therefore, it has been classified as a Variant of Uncertain Significance.

Literature cited by the submitters: PubMed 30733481; PubMed 36694982.

NM_144773.4(PROKR2):c.528G>C (p.Leu176Phe)

Gene: PROKR2 (prokineticin receptor 2; minus strand). Cytogenetic location: 20p12.3.
Variant type: single nucleotide variant.
Coding change: c.528G>C on transcript NM_144773.4 (MANE Select); coding-DNA position 528, G replaced by C.
Protein change: p.Leu176Phe; replaces leucine 176 with phenylalanine.
Molecular consequence: missense variant.
Genome position (GRCh38, 1-based): chr20:5,302,667, C>G on the plus strand (G>C on the coding strand, the complement: PROKR2 is on the minus strand). VCF-style: chr20-5302667-C-G. GRCh37 (hg19) VCF-style: chr20-5283313-C-G.
Other names: short protein forms L176F.
Identifiers: ClinVar variation 2884089 (VCV002884089.1), dbSNP rs748808249, ClinGen allele CA9754322.